The following is an entry in ClinVar:

NM_014804.3(KIAA0753):c.2606G>C (p.Arg869Thr)

Gene: KIAA0753 (KIAA0753; minus strand). Cytogenetic location: 17p13.1.
Variant type: single nucleotide variant.
Coding change: c.2606G>C on transcript NM_014804.3 (MANE Select); coding-DNA position 2606, G replaced by C.
Protein change: p.Arg869Thr; replaces arginine 869 with threonine.
Molecular consequence: missense variant. On other transcripts: non-coding transcript variant (3).
Genome position (GRCh38, 1-based): chr17:6,589,959, C>G on the plus strand (G>C on the coding strand, the complement: KIAA0753 is on the minus strand). VCF-style: chr17-6589959-C-G. GRCh37 (hg19) VCF-style: chr17-6493279-C-G.
Other names: c.1709G>C, p.Arg570Thr (NM_001351225.2); short protein forms R570T, R869T.
Identifiers: ClinVar variation 2010684 (VCV002010684.4), dbSNP rs762965480, ClinGen allele CA8330098.

ClinVar aggregate classification (germline): Uncertain significance (1 of 4 stars; one submission).

Allele frequency attached by ClinVar (database versions not stated): ExAC 0.00001.

Submission:

Labcorp Genetics (formerly Invitae), Labcorp
Classification: Uncertain significance. Last evaluated: 2025-01-13. Review status: criteria provided, single submitter. Criteria: Invitae Variant Classification Sherloc (09022015). Collection method: clinical testing. Allele origin: germline.
Comment: This sequence change replaces arginine, which is basic and polar, with threonine, which is neutral and polar, at codon 869 of the KIAA0753 protein (p.Arg869Thr). This variant is not present in population databases (gnomAD no frequency). This variant has not been reported in the literature in individuals affected with KIAA0753-related conditions. ClinVar contains an entry for this variant (Variation ID: 2010684). An algorithm developed to predict the effect of missense changes on protein structure and function (PolyPhen-2) suggests that this variant is likely to be tolerated. Algorithms developed to predict the effect of sequence changes on RNA splicing suggest that this variant may create or strengthen a splice site. In summary, the available evidence is currently insufficient to determine the role of this variant in disease. Therefore, it has been classified as a Variant of Uncertain Significance.